The following is an entry in ClinVar:

NM_133459.4(CCBE1):c.116C>T (p.Pro39Leu)

Gene: CCBE1 (collagen and calcium binding EGF domains 1; minus strand). Cytogenetic location: 18q21.32.
Variant type: single nucleotide variant.
Coding change: c.116C>T on transcript NM_133459.4 (MANE Select); coding-DNA position 116, C replaced by T.
Protein change: p.Pro39Leu; replaces proline 39 with leucine.
Molecular consequence: missense variant.
Genome position (GRCh38, 1-based): chr18:59,697,227, G>A on the plus strand (C>T on the coding strand, the complement: CCBE1 is on the minus strand). VCF-style: chr18-59697227-G-A. GRCh37 (hg19) VCF-style: chr18-57364459-G-A.
Other names: short protein forms P39L.
Identifiers: ClinVar variation 1448374 (VCV001448374.4), dbSNP rs1481447742, ClinGen allele CA402717402.
Genomic context (GRCh38, chr18:59,697,227, plus strand): 5'-GCATCAAGCAGGAGCTCGCCCTCCGCTGGGGCTTGCAGCGCTTACCTGTCGCCGTCCTCC[G>A]GCTCCTCTCTGTAGGTCCACGTGTGTCCCAACGCCAGGAGCAGCAGCAGCGGACCCAGGC-3'
Protein context (NP_597716.1, residues 29-49): LGHTWTYREE[Pro39Leu]EDGDREICSE

ClinVar aggregate classification (germline): Uncertain significance (1 of 4 stars; one submission).

Allele frequency attached by ClinVar (database versions not stated): TOPMed 0.00001; gnomAD exomes 0.00002; gnomAD 0.00001.
gnomAD v4.1: 60 of 1,548,824 alleles (0.0039%); highest among the groups gnomAD compares: Middle Eastern, 0.019%; no homozygotes.

Submission:

Labcorp Genetics (formerly Invitae), Labcorp
Classification: Uncertain significance. Last evaluated: 2022-05-19. Review status: criteria provided, single submitter. Criteria: Invitae Variant Classification Sherloc (09022015). Collection method: clinical testing. Allele origin: germline.
Comment: This variant is present in population databases (no rsID available, gnomAD 0.006%). In summary, the available evidence is currently insufficient to determine the role of this variant in disease. Therefore, it has been classified as a Variant of Uncertain Significance. Algorithms developed to predict the effect of missense changes on protein structure and function (SIFT, PolyPhen-2, Align-GVGD) all suggest that this variant is likely to be tolerated. This variant has not been reported in the literature in individuals affected with CCBE1-related conditions. This sequence change replaces proline, which is neutral and non-polar, with leucine, which is neutral and non-polar, at codon 39 of the CCBE1 protein (p.Pro39Leu).